The following is an entry in ClinVar:

ClinVar aggregate classification (germline): Likely pathogenic (1 of 4 stars; one submission).

Submission:

GeneDx
Classification: Likely pathogenic. Last evaluated: 2023-08-27. Review status: criteria provided, single submitter. Criteria: GeneDx Variant Classification Process June 2021. Collection method: clinical testing. Allele origin: germline. Affected: yes.
Comment: Frameshift variant predicted to result in protein truncation, as the last 181 amino acids are replaced with 60 different amino acids, and other loss-of-function variants have been reported downstream in HGMD; Not observed at significant frequency in large population cohorts (gnomAD); Has not been previously published as pathogenic or benign to our knowledge

NM_001080517.3(SETD5):c.3783dup (p.Phe1262fs)

Gene: SETD5 (SET domain containing 5; plus strand). Cytogenetic location: 3p25.3.
Variant type: Duplication.
Coding change: c.3783dup on transcript NM_001080517.3 (MANE Select); coding-DNA position 3783, one base duplicated (C; older notation c.3783dupC).
Protein change: p.Phe1262fs; shifts the reading frame from phenylalanine 1262.
Molecular consequence: frameshift variant.
Genome position (GRCh38, 1-based): chr3:9,475,545, C duplicated; the last of 5 consecutive C bases (chr3:9,475,541-9,475,545); duplicating any one gives the same sequence. VCF-style (leftmost placement, unchanged base first): chr3-9475540-T-TC. GRCh37 (hg19) VCF-style: chr3-9517224-T-TC.
Other names: c.3489dup, p.Phe1164fs (NM_001292043.2, NM_001349451.2); c.3783dupC (NM_001080517.1); c.3783dup (NM_001080517.1); short protein forms F1164fs, F1262fs.
Identifiers: ClinVar variation 419013 (VCV000419013.4), dbSNP rs1553641424, ClinGen allele CA16618016.